The following is an entry in ClinVar:

ClinVar aggregate classification (germline): Uncertain significance (1 of 4 stars; one submission).

Submission:

GeneDx
Classification: Uncertain significance. Last evaluated: 2019-05-16. Review status: criteria provided, single submitter. Criteria: GeneDx Variant Classification Process June 2021. Collection method: clinical testing. Allele origin: germline. Affected: yes.
Comment: Not observed in large population cohorts (Lek et al., 2016); In silico analysis, which includes protein predictors and evolutionary conservation, supports a deleterious effect; Has not been previously published as pathogenic or benign to our knowledge

NM_002047.4(GARS1):c.557_558delinsGC (p.Glu186Gly)

Gene: GARS1 (glycyl-tRNA synthetase 1; plus strand). Cytogenetic location: 7p14.3.
Variant type: Indel.
Coding change: c.557_558delinsGC on transcript NM_002047.4 (MANE Select); coding-DNA positions 557 to 558, AG replaced by GC.
Protein change: p.Glu186Gly; replaces glutamic acid 186 with glycine.
Molecular consequence: missense variant.
Genome position (GRCh38, 1-based): chr7:30,601,188-30,601,189, AG replaced by GC. VCF-style: chr7-30601188-AG-GC. GRCh37 (hg19) VCF-style: chr7-30640804-AG-GC.
Other names: c.395_396delinsGC, p.Glu132Gly (NM_001316772.1); short protein forms E132G, E186G.
Identifiers: ClinVar variation 1315623 (VCV001315623.2), dbSNP rs2128132725, ClinGen allele CA2573052861.
Genomic context (GRCh38, chr7:30,601,188, plus strand): 5'-GGCAGCACTTTATCCAAGAGGAACAGATCCTGGAGATCGATTGCACCATGCTCACCCCTG[AG>GC]CCAGTTTTAAAGTGAGATCTTACTTTGGAGTGGGGGTATCCTACTTTAAATAAAATAACT-3'
Protein context (NP_002038.2, residues 176-196): LEIDCTMLTP[Glu186Gly]PVLKTSGHVD